The following is an entry in ClinVar:

NM_000156.6(GAMT):c.291G>T (p.Gln97His)

Gene: GAMT (guanidinoacetate N-methyltransferase; minus strand). Cytogenetic location: 19p13.3.
Variant type: single nucleotide variant.
Coding change: c.291G>T on transcript NM_000156.6 (MANE Select); coding-DNA position 291, G replaced by T.
Protein change: p.Gln97His; replaces glutamine 97 with histidine.
Molecular consequence: missense variant.
Genome position (GRCh38, 1-based): chr19:1,399,829, C>A on the plus strand (G>T on the coding strand, the complement: GAMT is on the minus strand). VCF-style: chr19-1399829-C-A. GRCh37 (hg19) VCF-style: chr19-1399828-C-A.
Other names: p.Q97H:CAG>CAT; c.291G>T, p.Gln97His (NM_138924.3); c.291G>T (NM_000156.5); short protein forms Q97H.
Identifiers: ClinVar variation 205578 (VCV000205578.6), dbSNP rs796052524, ClinGen allele CA314800.
Genomic context (GRCh38, chr19:1,399,829, plus strand): 5'-GAGGGCCTGCGGGCAGAGGGGCACCTTGTGTGTCTGCCGTGGGGCCCAGTCCCGGAGCCG[C>A]TGGAAGACGCCGTCATTGCACTCGATGATCCAATGCTCATCAATGGGCGCCTCCTGCACC-3'
Protein context (NP_000147.1, residues 87-107): WIIECNDGVF[Gln97His]RLRDWAPRQT

ClinVar aggregate classification (germline): Uncertain significance. Review status: criteria provided, multiple submitters, no conflicts (2 of 4 stars). 4 submissions from 4 submitters: Uncertain significance (3). 1 of the submissions does not count toward it. Last evaluated 2024-03-04.

Conditions:
Inborn genetic diseases. Identifiers: MedGen C0950123, MeSH D030342.
Cerebral creatine deficiency syndrome. Also called: Creatine deficiency syndromes. Identifiers: Orphanet 79172, MedGen C5244016, MONDO:0000456.
Deficiency of guanidinoacetate methyltransferase (CCDS2). Also called: GAMT DEFICIENCY; Guanidinoacetate Methyltransferase (GAMT) Deficiency; CEREBRAL CREATINE DEFICIENCY SYNDROME 2. Identifiers: Orphanet 382, MedGen C0574080, MONDO:0012999, OMIM 612736.

Allele frequency attached by ClinVar (database versions not stated): gnomAD 0.00001; TOPMed 0.00001.
gnomAD v4.1: 10 of 1,586,208 alleles (0.00063%); highest among the groups gnomAD compares: South Asian, 0.0011%; no homozygotes.

Submissions (4):

Ambry Genetics
Classification: Uncertain significance for Inborn genetic diseases. Last evaluated: 2024-03-04. Review status: criteria provided, single submitter. Criteria: Ambry Variant Classification Scheme 2023. Collection method: clinical testing. Allele origin: germline.

Labcorp Genetics (formerly Invitae), Labcorp
Classification: Uncertain significance for Cerebral creatine deficiency syndrome. Last evaluated: 2022-02-21. Review status: criteria provided, single submitter. Criteria: Invitae Variant Classification Sherloc (09022015). Collection method: clinical testing. Allele origin: germline.
Comment: This sequence change replaces glutamine, which is neutral and polar, with histidine, which is basic and polar, at codon 97 of the GAMT protein (p.Gln97His). The frequency data for this variant in the population databases is considered unreliable, as metrics indicate poor data quality at this position in the gnomAD database. This variant has not been reported in the literature in individuals affected with GAMT-related conditions. ClinVar contains an entry for this variant (Variation ID: 205578). Algorithms developed to predict the effect of missense changes on protein structure and function (SIFT, PolyPhen-2, Align-GVGD) all suggest that this variant is likely to be tolerated. In summary, the available evidence is currently insufficient to determine the role of this variant in disease. Therefore, it has been classified as a Variant of Uncertain Significance.

GeneDx
Classification: Uncertain significance. Last evaluated: 2014-12-19. Review status: criteria provided, single submitter. Criteria: GeneDx Variant Classification (06012015). Collection method: clinical testing. Allele origin: germline. Affected: yes.
Comment: p.Gln97His (CAG>CAT): c.291 G>T in exon 2 of the GAMT gene (NM_000156.4) The Q97H variant has not been published as a mutation, nor has it been reported as a benign polymorphism to our knowledge. It was not observed in approximately 6,500 individuals of European and African American ancestry in the NHLBI Exome Sequencing Project, indicating it is not a common benign variant in these populations. The Q97H variant is a semi-conservative amino acid substitution, which may impact secondary protein structure as these residues differ in some properties. In silico analysis predicts this variant is probably damaging to the protein structure/function. However, this substitution occurs at a position that is not conserved across species. Therefore, based on the currently available information, it is unclear whether this variant is a pathogenic mutation or a rare benign variant. The variant is found in CHILD-EPI panel(s).

Natera, Inc.
Classification: Uncertain significance for Guanidinoacetate methyltransferase deficiency. Last evaluated: 2019-10-28. Review status: no assertion criteria provided. Collection method: clinical testing. Allele origin: germline. Not counted in ClinVar's aggregate classification.